The following is an entry in ClinVar:

ClinVar aggregate classification (germline): Pathogenic (1 of 4 stars; one submission).

Submission:

Labcorp Genetics (formerly Invitae), Labcorp
Classification: Pathogenic. Last evaluated: 2025-12-03. Review status: criteria provided, single submitter. Criteria: Invitae Variant Classification Sherloc (09022015). Collection method: clinical testing. Allele origin: germline.
Comment: This sequence change creates a premature translational stop signal (p.Cys435Leufs*10) in the OPA1 gene. It is expected to result in an absent or disrupted protein product. Loss-of-function variants in OPA1 are known to be pathogenic (PMID: 11440988, 20157015, 20952381, 25012220). This variant is not present in population databases (gnomAD no frequency). This variant has not been reported in the literature in individuals affected with OPA1-related conditions. For these reasons, this variant has been classified as Pathogenic.

Literature cited by the submitters: PubMed 11440988; PubMed 20157015; PubMed 20952381; PubMed 25012220.

NM_130837.3(OPA1):c.1468dup (p.Cys490fs)

Gene: OPA1 (OPA1 mitochondrial dynamin like GTPase; plus strand). Cytogenetic location: 3q29.
Variant type: Duplication.
Coding change: c.1468dup on transcript NM_130837.3 (MANE Select); coding-DNA position 1468, one base duplicated (T; older notation c.1468dupT).
Protein change: p.Cys490fs; shifts the reading frame from cysteine 490.
Molecular consequence: frameshift variant.
Genome position (GRCh38, 1-based): chr3:193,643,618, T duplicated. VCF-style (leftmost placement, unchanged base first): chr3-193643617-G-GT. GRCh37 (hg19) VCF-style: chr3-193361406-G-GT.
Other names: c.934dup, p.Cys312fs (NM_001354663.2); c.931dup, p.Cys311fs (NM_001354664.2); c.1303dup, p.Cys435fs (NM_015560.3); c.1195dup, p.Cys399fs (NM_130831.3); c.1249dup, p.Cys417fs (NM_130832.3); c.1306dup, p.Cys436fs (NM_130833.3); c.1357dup, p.Cys453fs (NM_130834.3); c.1360dup, p.Cys454fs (NM_130835.3); and 1 more; short protein forms C435fs, C472fs, C490fs, C312fs, C454fs, C311fs, C399fs, C417fs.
Identifiers: ClinVar variation 4732146 (VCV004732146.1).